The following is an entry in ClinVar:

ClinVar aggregate classification (germline): Uncertain significance (1 of 4 stars; one submission).

Conditions:
Anauxetic dysplasia. Identifiers: Orphanet 93347, MedGen C1846796, MONDO:0011773.

Submission:

Labcorp Genetics (formerly Invitae), Labcorp
Classification: Uncertain significance for Anauxetic dysplasia. Last evaluated: 2024-09-30. Review status: criteria provided, single submitter. Criteria: Invitae Variant Classification Sherloc (09022015). Collection method: clinical testing. Allele origin: germline.
Comment: This variant occurs in the RMRP gene, which encodes an RNA molecule that does not result in a protein product. Information on the frequency of this variant in the gnomAD database is not available, as this variant may be reported differently in the database. This variant has not been reported in the literature in individuals affected with RMRP-related conditions. Experimental studies and prediction algorithms are not available or were not evaluated, and the functional significance of this variant is currently unknown. In summary, the available evidence is currently insufficient to determine the role of this variant in disease. Therefore, it has been classified as a Variant of Uncertain Significance.

NC_000009.12:g.35658022_35658023delinsCT

Gene: RMRP (RNA component of mitochondrial RNA processing endoribonuclease; minus strand). Cytogenetic location: 9p13.3.
Variant type: Indel.
Genome position: GRCh38 VCF-style: chr9-35658022-TC-CT. GRCh37 (hg19) VCF-style: chr9-35658019-TC-CT.
Identifiers: ClinVar variation 3720076 (VCV003720076.2).
Genomic context (GRCh38, chr9:35,658,022, plus strand): 5'-AGGGGAGGAACAGAGTCCTCAGTGTGTAGCCTAGGATACAGGCCTTCAGCACGAACCACG[TC>CT]CTCAGCTTCACAGAGTAGTATTTTATAGCCCTAAAGAAATTGTGTTTTATGATTAGGGTG-3'